The following is an entry in ClinVar:

NM_003737.4(DCHS1):c.5122G>A (p.Ala1708Thr)

Gene: DCHS1 (dachsous cadherin-related 1; minus strand). Cytogenetic location: 11p15.4.
Variant type: single nucleotide variant.
Coding change: c.5122G>A on transcript NM_003737.4 (MANE Select); coding-DNA position 5122, G replaced by A.
Protein change: p.Ala1708Thr; replaces alanine 1708 with threonine.
Molecular consequence: missense variant.
Genome position (GRCh38, 1-based): chr11:6,629,491, C>T on the plus strand (G>A on the coding strand, the complement: DCHS1 is on the minus strand). VCF-style: chr11-6629491-C-T. GRCh37 (hg19) VCF-style: chr11-6650722-C-T.
Other names: short protein forms A1708T.
Identifiers: ClinVar variation 1931781 (VCV001931781.5), dbSNP rs765854320, ClinGen allele CA5860173.

ClinVar aggregate classification (germline): Uncertain significance (1 of 4 stars; one submission).

Allele frequency attached by ClinVar (database versions not stated): gnomAD exomes below 0.00001; ExAC 0.00001; gnomAD 0.00001.
gnomAD v4.1: 5 of 1,613,010 alleles (0.00031%); highest among the groups gnomAD compares: South Asian, 0.0011%; no homozygotes.

Submission:

Labcorp Genetics (formerly Invitae), Labcorp
Classification: Uncertain significance. Last evaluated: 2025-06-12. Review status: criteria provided, single submitter. Criteria: Invitae Variant Classification Sherloc (09022015). Collection method: clinical testing. Allele origin: germline.
Comment: This sequence change replaces alanine, which is neutral and non-polar, with threonine, which is neutral and polar, at codon 1708 of the DCHS1 protein (p.Ala1708Thr). This variant is present in population databases (rs765854320, gnomAD 0.0009%). This variant has not been reported in the literature in individuals affected with DCHS1-related conditions. ClinVar contains an entry for this variant (Variation ID: 1931781). Invitae Evidence Modeling of protein sequence and biophysical properties (such as structural, functional, and spatial information, amino acid conservation, physicochemical variation, residue mobility, and thermodynamic stability) indicates that this missense variant is not expected to disrupt DCHS1 protein function with a negative predictive value of 80%. In summary, the available evidence is currently insufficient to determine the role of this variant in disease. Therefore, it has been classified as a Variant of Uncertain Significance.